The following is an entry in ClinVar:

NM_007294.4(BRCA1):c.5446A>C (p.Thr1816Pro)

Gene: BRCA1 (BRCA1 DNA repair associated; minus strand). Cytogenetic location: 17q21.31.
Variant type: single nucleotide variant.
Coding change: c.5446A>C on transcript NM_007294.4 (MANE Select); coding-DNA position 5446, A replaced by C.
Protein change: p.Thr1816Pro; replaces threonine 1816 with proline.
Molecular consequence: missense variant. On other transcripts: non-coding transcript variant (1).
Genome position (GRCh38, 1-based): chr17:43,047,664, T>G on the plus strand (A>C on the coding strand, the complement: BRCA1 is on the minus strand). VCF-style: chr17-43047664-T-G. GRCh37 (hg19) VCF-style: chr17-41199681-T-G.
Other names: c.5233A>C, p.Thr1745Pro (NM_001407571.1, NM_001407906.1, NM_001407907.1 and 12 more transcripts); c.5512A>C, p.Thr1838Pro (NM_001407581.1, NM_001407582.1); c.5509A>C, p.Thr1837Pro (NM_001407583.1, NM_001407585.1, NM_001407587.1 and 1 more transcripts); c.5506A>C, p.Thr1836Pro (NM_001407590.1, NM_001407591.1); c.5446A>C, p.Thr1816Pro (NM_001407593.1, NM_001407594.1, NM_001407596.1 and 5 more transcripts); c.5443A>C, p.Thr1815Pro (NM_001407613.1, NM_001407614.1, NM_001407615.1 and 14 more transcripts); c.5440A>C, p.Thr1814Pro (NM_001407632.1, NM_001407633.1, NM_001407634.1 and 13 more transcripts); c.5368A>C, p.Thr1790Pro (NM_001407654.1, NM_001407655.1, NM_001407652.1 and 1 more transcripts); and 83 more; short protein forms T1769P, T1837P, T1816P, D687A, T712P, D1744A, D1748A, D1789A.
Identifiers: ClinVar variation 868901 (VCV000868901.3), dbSNP rs2050983010, ClinGen allele CA10590513.

Conditions:
Breast-ovarian cancer, familial, susceptibility to, 1 (BROVCA1). Also called: BRCA1 Hereditary Breast and Ovarian Cancer; OVARIAN CANCER, SUSCEPTIBILITY TO. Identifiers: Orphanet 145, MedGen C2676676, MONDO:0011450, OMIM 604370. Disease mechanism: loss of function.

Submission:

Brotman Baty Institute, University of Washington
No classification provided (evidence only). Condition: Breast-ovarian cancer, familial 1. Review status: no classification provided. Collection method: in vitro. Allele origin: not applicable. Functional consequence: functionally_normal.
ClinVar note: "not provided" was previously submitted as the classification for the variant. However, the classification appeared to be based only on an observation of functional data so it was converted to no classification on 2025-07-30.